The following is an entry in ClinVar:

NM_001377.3(DYNC2H1):c.10100G>T (p.Arg3367Leu)

Gene: DYNC2H1 (dynein cytoplasmic 2 heavy chain 1; plus strand). Cytogenetic location: 11q22.3.
Variant type: single nucleotide variant.
Coding change: c.10100G>T on transcript NM_001377.3 (MANE Select); coding-DNA position 10100, G replaced by T.
Protein change: p.Arg3367Leu; replaces arginine 3367 with leucine.
Molecular consequence: missense variant.
Genome position (GRCh38, 1-based): chr11:103,253,342, G>T. VCF-style: chr11-103253342-G-T. GRCh37 (hg19) VCF-style: chr11-103124071-G-T.
Other names: c.10121G>T, p.Arg3374Leu (NM_001080463.2); short protein forms R3374L, R3367L.
Identifiers: ClinVar variation 488661 (VCV000488661.5), dbSNP rs759549373, ClinGen allele CA382248031.

ClinVar aggregate classification (germline): Likely pathogenic. Review status: criteria provided, single submitter (1 of 4 stars). 2 submissions from 2 submitters: Likely pathogenic (1). 1 of the submissions does not count toward it. Last evaluated 2023-04-08.

Conditions:
Jeune thoracic dystrophy. Also called: Jeune syndrome; Infantile thoracic dystrophy; Thoracic pelvic phalangeal dystrophy; Jeune's syndrome; Chondroectodermal dysplasia-like syndrome; Short-rib thoracic dysplasia. Identifiers: Orphanet 474, MedGen C0265275, MONDO:0018770.
Asphyxiating thoracic dystrophy 3. Also called: Saldino-Noonan Syndrome; SHORT-RIB THORACIC DYSPLASIA 3 WITH OR WITHOUT POLYDACTYLY; POLYDACTYLY WITH NEONATAL CHONDRODYSTROPHY, TYPE I; SHORT-RIB THORACIC DYSPLASIA 3/6 WITH POLYDACTYLY, DIGENIC; Short rib polydactyly syndrome 2B. Identifiers: Orphanet 474, Orphanet 93269, Orphanet 93270, Orphanet 93271, MedGen C0036069, MONDO:0013127, OMIM 613091.

gnomAD v4.1: 10 of 1,613,106 alleles (0.00062%); highest among the groups gnomAD compares: Non-Finnish European, 0.00085%; no homozygotes.

Submissions (2):

Labcorp Genetics (formerly Invitae), Labcorp
Classification: Likely pathogenic for Jeune thoracic dystrophy. Last evaluated: 2023-04-08. Review status: criteria provided, single submitter. Criteria: Invitae Variant Classification Sherloc (09022015). Collection method: clinical testing. Allele origin: germline.
Comment: In summary, the currently available evidence indicates that the variant is pathogenic, but additional data are needed to prove that conclusively. Therefore, this variant has been classified as Likely Pathogenic. This variant disrupts the p.Arg3374 amino acid residue in DYNC2H1. Other variant(s) that disrupt this residue have been determined to be pathogenic (PMID: 6938784, 28832562, 29453417; Invitae). This suggests that this residue is clinically significant, and that variants that disrupt this residue are likely to be disease-causing. Advanced modeling of protein sequence and biophysical properties (such as structural, functional, and spatial information, amino acid conservation, physicochemical variation, residue mobility, and thermodynamic stability) performed at Invitae indicates that this missense variant is expected to disrupt DYNC2H1 protein function. ClinVar contains an entry for this variant (Variation ID: 488661). This variant has not been reported in the literature in individuals affected with DYNC2H1-related conditions. This variant is present in population databases (no rsID available, gnomAD 0.0009%). This sequence change replaces arginine, which is basic and polar, with leucine, which is neutral and non-polar, at codon 3374 of the DYNC2H1 protein (p.Arg3374Leu).

Foundation for Research in Genetics and Endocrinology, FRIGE's Institute of Human Genetics
Classification: Likely pathogenic for Asphyxiating thoracic dystrophy 3. Last evaluated: 2018-01-03. Review status: no assertion criteria provided. Collection method: clinical testing. Allele origin: germline. Inheritance: Autosomal recessive inheritance. Affected: no. Observed: 1 variant allele, 1 heterozygote. Not counted in ClinVar's aggregate classification.
Comment: The observed variant c.10121G>T (p.R3374L) has not been reported in The 1000 Genomes and ExAC databases. The in silico prediction of the variant is probably damaging by PolyPhen2 and damaging by SIFT, LRT and MutationTaster2.

Literature cited by the submitters: PubMed 6938784 (cited by Labcorp Genetics (formerly Invitae), Labcorp); PubMed 28832562 (cited by Labcorp Genetics (formerly Invitae), Labcorp); PubMed 29453417 (cited by Labcorp Genetics (formerly Invitae), Labcorp).